The following is an entry in ClinVar:

ClinVar aggregate classification (germline): Uncertain significance. Review status: criteria provided, multiple submitters, no conflicts (2 of 4 stars). 2 submissions from 2 submitters: Uncertain significance (2). Last evaluated 2023-06-26.

Conditions:
Familial thoracic aortic aneurysm and aortic dissection (TAAD). Also called: Thoracic aortic aneurysms and dissections. Identifiers: Orphanet 91387, MedGen C4707243, MONDO:0019625.

Submissions (2):

All of Us Research Program, National Institutes of Health
Classification: Uncertain significance for Familial thoracic aortic aneurysm and aortic dissection. Last evaluated: 2023-06-26. Review status: criteria provided, single submitter. Criteria: ACMG Guidelines, 2015. Collection method: clinical testing. Allele origin: germline. Inheritance: Autosomal dominant inheritance. Observed: 1 variant allele, 1 heterozygote.
Comment: This variant is located in the 3' untranslated region of the ACTA2 gene. To our knowledge, functional studies have not been reported for this variant. This variant has not been reported in individuals affected with ACTA2-related disorders in the literature. This variant has not been identified in the general population by the Genome Aggregation Database (gnomAD). The available evidence is insufficient to determine the role of this variant in disease conclusively. Therefore, this variant is classified as a Variant of Uncertain Significance.

This study involves interpretation of variants in research participants for the purpose of population health screening. Participant phenotype was not available at the time of variant classification. Additional details can be found in publication PMID: 35346344, PMCID: PMC8962531

Color Diagnostics, LLC DBA Color Health
Classification: Uncertain significance for Familial thoracic aortic aneurysm and aortic dissection. Last evaluated: 2023-05-31. Review status: criteria provided, single submitter. Criteria: ACMG Guidelines, 2015. Collection method: clinical testing. Allele origin: germline.
Comment: This variant is located in the 3' untranslated region of the ACTA2 gene. To our knowledge, functional studies have not been reported for this variant. This variant has not been reported in individuals affected with ACTA2-related disorders in the literature. This variant has not been identified in the general population by the Genome Aggregation Database (gnomAD). The available evidence is insufficient to determine the role of this variant in disease conclusively. Therefore, this variant is classified as a Variant of Uncertain Significance.

NM_001613.4(ACTA2):c.*6_*38del

Genes: ACTA2-AS1 (ACTA2 antisense RNA 1; plus strand), ACTA2 (actin alpha 2, smooth muscle; minus strand). Cytogenetic location: 10q23.31.
Variant type: Deletion.
Coding change: c.*6_*38del on transcript NM_001613.4 (MANE Select); 6 bases downstream of the stop codon through 38 bases downstream of the stop codon, 33 bases deleted.
Molecular consequence: 3 prime UTR variant. On other transcripts: non-coding transcript variant (1).
Genome position (GRCh38, 1-based): chr10:88,935,185-88,935,217, 33 bases deleted. GRCh37 (hg19): chr10:90,694,942-90,694,974.
Other names: c.*6_*38del33 (NM_001141945.3, NM_001320855.2, NM_001406462.1 and 7 more transcripts).
Identifiers: ClinVar variation 927073 (VCV000927073.8), dbSNP rs1845709130, ClinGen allele CA1139661615.
Genomic context (GRCh38, chr10:88,935,184, plus strand): 5'-AGAGCTTTGGCTAGGAATGATTTGGAAAAGAACTGAAGGCATAATTCCACAGGACATTCA[CAGTTGTGTGCTAGAGACAGAGAGGAGCAGGAAA>C]GTGTTTTAGAAGCATTTGCGGTGGACAATGGAAGGCCCGGCTTCATCGTATTCCTGTTTG-3'